The following is an entry in ClinVar:

NM_000214.3(JAG1):c.1606A>C (p.Asn536His)

Gene: JAG1 (jagged canonical Notch ligand 1; minus strand). Cytogenetic location: 20p12.2.
Variant type: single nucleotide variant.
Coding change: c.1606A>C on transcript NM_000214.3 (MANE Select); coding-DNA position 1606, A replaced by C.
Protein change: p.Asn536His; replaces asparagine 536 with histidine.
Molecular consequence: missense variant.
Genome position (GRCh38, 1-based): chr20:10,648,074, T>G on the plus strand (A>C on the coding strand, the complement: JAG1 is on the minus strand). VCF-style: chr20-10648074-T-G. GRCh37 (hg19) VCF-style: chr20-10628722-T-G.
Other names: short protein forms N536H.
Identifiers: ClinVar variation 2032320 (VCV002032320.5), dbSNP rs1176315498, ClinGen allele CA408236960.
Genomic context (GRCh38, chr20:10,648,074, plus strand): 5'-CATAGTCCTCGGGGCACTTGCAGAAATAGTCACTGGCACGGTTGTAGCACTGGGCACCGT[T>G]CTGGCAGGGATTAGGCTCACAATAATCGATGTCCAGCTGCAAATATCAGGAACAGCGAAA-3'
Protein context (NP_000205.1, residues 526-546): IDYCEPNPCQ[Asn536His]GAQCYNRASD

ClinVar aggregate classification (germline): Uncertain significance. Review status: criteria provided, multiple submitters, no conflicts (2 of 4 stars). 2 submissions from 2 submitters: Uncertain significance (2). Last evaluated 2023-12-18.

Conditions:
Alagille syndrome due to a JAG1 point mutation. Also called: Alagille Syndrome 1; HEPATIC DUCTULAR HYPOPLASIA, SYNDROMATIC; JAG1-Related Alagille Syndrome. Identifiers: Orphanet 261619, Orphanet 52, MedGen C1956125, MONDO:0016862, OMIM 118450.

Allele frequency attached by ClinVar (database versions not stated): TOPMed below 0.00001; gnomAD 0.00001; gnomAD exomes 0.00001.
gnomAD v4.1: 18 of 1,614,040 alleles (0.0011%); highest among the groups gnomAD compares: Non-Finnish European, 0.0014%; no homozygotes.

Submissions (2):

Labcorp Genetics (formerly Invitae), Labcorp
Classification: Uncertain significance for Alagille syndrome due to a JAG1 point mutation. Last evaluated: 2023-12-18. Review status: criteria provided, single submitter. Criteria: Invitae Variant Classification Sherloc (09022015). Collection method: clinical testing. Allele origin: germline.
Comment: This sequence change replaces asparagine, which is neutral and polar, with histidine, which is basic and polar, at codon 536 of the JAG1 protein (p.Asn536His). This variant is not present in population databases (gnomAD no frequency). This variant has not been reported in the literature in individuals affected with JAG1-related conditions. ClinVar contains an entry for this variant (Variation ID: 2032320). Advanced modeling of protein sequence and biophysical properties (such as structural, functional, and spatial information, amino acid conservation, physicochemical variation, residue mobility, and thermodynamic stability) performed at Invitae indicates that this missense variant is not expected to disrupt JAG1 protein function with a negative predictive value of 95%. In summary, the available evidence is currently insufficient to determine the role of this variant in disease. Therefore, it has been classified as a Variant of Uncertain Significance.

Blueprint Genetics
Classification: Uncertain significance. Last evaluated: 2019-08-19. Review status: criteria provided, single submitter. Criteria: ACMG Guidelines, 2015. Collection method: clinical testing. Allele origin: germline.